The following is an entry in ClinVar:

NM_001330078.2(NRXN1):c.3134C>G (p.Ala1045Gly)

Gene: NRXN1 (neurexin 1; minus strand). Cytogenetic location: 2p16.3.
Variant type: single nucleotide variant.
Coding change: c.3134C>G on transcript NM_001330078.2 (MANE Select); coding-DNA position 3134, C replaced by G.
Protein change: p.Ala1045Gly; replaces alanine 1045 with glycine.
Molecular consequence: missense variant.
Genome position (GRCh38, 1-based): chr2:50,472,408, G>C on the plus strand (C>G on the coding strand, the complement: NRXN1 is on the minus strand). VCF-style: chr2-50472408-G-C. GRCh37 (hg19) VCF-style: chr2-50699546-G-C.
Other names: c.3254C>G, p.Ala1085Gly (NM_001135659.3); c.3110C>G, p.Ala1037Gly (NM_001330077.2, NM_001330082.2); c.3068C>G, p.Ala1023Gly (NM_001330083.2, NM_001330084.2); c.3107C>G, p.Ala1036Gly (NM_001330085.2); c.3134C>G, p.Ala1045Gly (NM_001330086.2, NM_004801.6); c.3023C>G, p.Ala1008Gly (NM_001330087.2, NM_001330096.2); c.3053C>G, p.Ala1018Gly (NM_001330088.2); c.3131C>G, p.Ala1044Gly (NM_001330093.2); and 2 more; short protein forms A1008G, A1037G, A1018G, A1041G, A1045G, A1028G, A1036G, A1023G.
Identifiers: ClinVar variation 4745057 (VCV004745057.1).

ClinVar aggregate classification (germline): Uncertain significance (1 of 4 stars; one submission).

Conditions:
Pitt-Hopkins-like syndrome 2 (PTHSL2). Identifiers: Orphanet 221150, Orphanet 600663, MedGen C3280479, MONDO:0013690, OMIM 614325.

Submission:

Labcorp Genetics (formerly Invitae), Labcorp
Classification: Uncertain significance for Pitt-Hopkins-like syndrome 2. Last evaluated: 2025-10-11. Review status: criteria provided, single submitter. Criteria: Invitae Variant Classification Sherloc (09022015). Collection method: clinical testing. Allele origin: germline.
Comment: This sequence change replaces alanine, which is neutral and non-polar, with glycine, which is neutral and non-polar, at codon 1085 of the NRXN1 protein (p.Ala1085Gly). This variant is not present in population databases (gnomAD no frequency). This variant has not been reported in the literature in individuals affected with NRXN1-related conditions. Invitae Evidence Modeling of protein sequence and biophysical properties (such as structural, functional, and spatial information, amino acid conservation, physicochemical variation, residue mobility, and thermodynamic stability) indicates that this missense variant is not expected to disrupt NRXN1 protein function with a negative predictive value of 80%. In summary, the available evidence is currently insufficient to determine the role of this variant in disease. Therefore, it has been classified as a Variant of Uncertain Significance.